The following is an entry in ClinVar:

NM_019066.5(MAGEL2):c.1191G>C (p.Gln397His)

Gene: MAGEL2 (MAGE family member L2; minus strand). Cytogenetic location: 15q11.2.
Variant type: single nucleotide variant.
Coding change: c.1191G>C on transcript NM_019066.5 (MANE Select); coding-DNA position 1191, G replaced by C.
Protein change: p.Gln397His; replaces glutamine 397 with histidine.
Molecular consequence: missense variant.
Genome position (GRCh38, 1-based): chr15:23,646,552, C>G on the plus strand (G>C on the coding strand, the complement: MAGEL2 is on the minus strand). VCF-style: chr15-23646552-C-G. GRCh37 (hg19) VCF-style: chr15-23891699-C-G.
Other names: short protein forms Q397H.
Identifiers: ClinVar variation 3358835 (VCV003358835.2).
Genomic context (GRCh38, chr15:23,646,552, plus strand): 5'-GCGGATGGGCGGGGGCCCCTGGCGCATGGGCGGCGGCACCTGCCAGGTAACGGCTGGTGC[C>G]TGCCAGGTGACCTGCGTGGTCTGCCAAGTCAGGGGAGTGGCCTGCCAGCCTTGCTGCGTG-3'
Protein context (NP_061939.3, residues 387-407): LTWQTTQVTW[Gln397His]APAVTWQVPP

ClinVar aggregate classification (germline): Uncertain significance. Review status: criteria provided, single submitter (1 of 4 stars). 2 submissions from 2 submitters: Uncertain significance (1). 1 of the submissions does not count toward it. Last evaluated 2024-10-22.

Conditions:
MAGEL2-related disorder. Also called: MAGEL2-related condition.
Inborn genetic diseases. Identifiers: MedGen C0950123, MeSH D030342.

Submissions (2):

Ambry Genetics
Classification: Uncertain significance for Inborn genetic diseases. Last evaluated: 2024-10-22. Review status: criteria provided, single submitter. Criteria: Ambry Variant Classification Scheme 2023. Collection method: clinical testing. Allele origin: germline.

PreventionGenetics, part of Exact Sciences
Classification: Uncertain significance for MAGEL2-related condition. Last evaluated: 2024-09-20. Review status: no assertion criteria provided. Collection method: clinical testing. Allele origin: germline. Not counted in ClinVar's aggregate classification.
Comment: The MAGEL2 c.1191G>C variant is predicted to result in the amino acid substitution p.Gln397His. To our knowledge, this variant has not been reported in the literature or in a large population database, indicating this variant is rare. At this time, the clinical significance of this variant is uncertain due to the absence of conclusive functional and genetic evidence.